The following is an entry in ClinVar:

NM_001378183.1(PIEZO2):c.1080T>C (p.Leu360=)

Gene: PIEZO2 (piezo type mechanosensitive ion channel component 2; minus strand). Cytogenetic location: 18p11.22.
Variant type: single nucleotide variant.
Coding change: c.1080T>C on transcript NM_001378183.1 (MANE Select); coding-DNA position 1080, T replaced by C.
Protein change: p.Leu360=; no amino-acid change (leucine 360 retained).
Molecular consequence: synonymous variant.
Genome position (GRCh38, 1-based): chr18:10,807,112, A>G on the plus strand (T>C on the coding strand, the complement: PIEZO2 is on the minus strand). VCF-style: chr18-10807112-A-G. GRCh37 (hg19) VCF-style: chr18-10807110-A-G.
Other names: c.1080T>C, p.Leu360= (NM_022068.4).
Identifiers: ClinVar variation 681453 (VCV000681453.1), dbSNP rs1322244407, ClinGen allele CA502906503.

ClinVar aggregate classification (germline): Likely benign (1 of 4 stars; one submission).

Allele frequency attached by ClinVar (database versions not stated): gnomAD exomes below 0.00001; TOPMed below 0.00001.
gnomAD v4.1: 8 of 1,533,802 alleles (0.00052%); highest among the groups gnomAD compares: Non-Finnish European, 0.00052%; no homozygotes.

Submission:

GeneDx
Classification: Likely benign. Last evaluated: 2018-04-13. Review status: criteria provided, single submitter. Criteria: GeneDx Variant Classification (06012015). Collection method: clinical testing. Allele origin: germline. Affected: yes.
Comment: This variant is considered likely benign or benign based on one or more of the following criteria: it is a conservative change, it occurs at a poorly conserved position in the protein, it is predicted to be benign by multiple in silico algorithms, and/or has population frequency not consistent with disease.